The following is an entry in ClinVar:

ClinVar aggregate classification (germline): Pathogenic (1 of 4 stars; one submission).

Conditions:
Vitamin K-dependent clotting factors, combined deficiency of, type 1. Also called: FACTORS II, VII, IX, AND X, COMBINED DEFICIENCY OF; FAMILIAL MULTIPLE COAGULATION FACTOR DEFICIENCY III; FMFD III; GLUTAMIC ACID, DEFICIENT GAMMA-CARBOXYLATION OF; MULTIPLE COAGULATION FACTOR DEFICIENCY III; VITAMIN K-DEPENDENT COAGULATION DEFECT. Identifiers: Orphanet 98434, MedGen C1848534, MONDO:0010187, OMIM 277450.

gnomAD v4.1: 5 of 1,613,996 alleles (0.00031%); highest among the groups gnomAD compares: Non-Finnish European, 0.00042%; no homozygotes.

Submission:

Juno Genomics, Hangzhou Juno Genomics, Inc
Classification: Pathogenic for Vitamin K-dependent clotting factors, combined deficiency of, type 1. Review status: criteria provided, single submitter. Criteria: ACMG Guidelines, 2015. Collection method: clinical testing. Allele origin: germline. Affected: yes.
Comment: Absent from controls (or at extremely low frequency if recessive) in Genome Aggregation Database, Exome Sequencing Project, 1000 Genomes Project, or Exome Aggregation Consortium.;Null variant in a gene where loss of function (LOF) is a known mechanism of disease.;Patient's phenotype or family history is highly specific for a disease with a single genetic etiology.

NM_000821.7(GGCX):c.1837C>T (p.Gln613Ter)

Gene: GGCX (gamma-glutamyl carboxylase; minus strand). Cytogenetic location: 2p11.2.
Variant type: single nucleotide variant.
Coding change: c.1837C>T on transcript NM_000821.7 (MANE Select); coding-DNA position 1837, C replaced by T.
Protein change: p.Gln613Ter; replaces glutamine 613 with a stop codon.
Molecular consequence: nonsense.
Genome position (GRCh38, 1-based): chr2:85,550,976, G>A on the plus strand (C>T on the coding strand, the complement: GGCX is on the minus strand). VCF-style: chr2-85550976-G-A. GRCh37 (hg19) VCF-style: chr2-85778099-G-A.
Other names: c.1666C>T, p.Gln556Ter (NM_001142269.4); short protein forms Q556*, Q613*.
Identifiers: ClinVar variation 3899386 (VCV003899386.2).
Genomic context (GRCh38, chr2:85,550,976, plus strand): 5'-TACACTCACCACTTCCATTCTCCACCTTTTCCTTTAATTCTTGCAGATATGCCAGGTCTT[G>A]CTCCAGTGCAAGCTCTGTAGTGTTGACATAGACGTACATGTAGCAAGAAGGGCTAGGTGA-3'